The following is an entry in ClinVar:

ClinVar aggregate classification (germline): Uncertain significance (1 of 4 stars; one submission).

Submission:

GeneDx
Classification: Uncertain significance. Last evaluated: 2019-05-14. Review status: criteria provided, single submitter. Criteria: GeneDx Variant Classification Process June 2021. Collection method: clinical testing. Allele origin: germline. Affected: yes.
Comment: Not observed in large population cohorts (Lek et al., 2016); In silico analysis, which includes protein predictors and evolutionary conservation, supports that this variant does not alter protein structure/function; Has not been previously published as pathogenic or benign to our knowledge

NM_005422.4(TECTA):c.767C>A (p.Pro256Gln)

Genes: TBCEL-TECTA (TBCEL-TECTA readthrough; plus strand), TECTA (tectorin alpha; plus strand). Cytogenetic location: 11q23.3.
Variant type: single nucleotide variant.
Coding change: c.767C>A on transcript NM_005422.4 (MANE Select); coding-DNA position 767, C replaced by A.
Protein change: p.Pro256Gln; replaces proline 256 with glutamine.
Molecular consequence: missense variant.
Genome position (GRCh38, 1-based): chr11:121,113,695, C>A. VCF-style: chr11-121113695-C-A. GRCh37 (hg19) VCF-style: chr11-120984404-C-A.
Other names: c.1724C>A, p.Pro575Gln (NM_001378761.1); short protein forms P256Q, P575Q.
Identifiers: ClinVar variation 1193118 (VCV001193118.2), dbSNP rs2135060374, ClinGen allele CA383023452.